The following is an entry in ClinVar:

NM_015272.5(RPGRIP1L):c.3797T>G (p.Phe1266Cys)

Gene: RPGRIP1L (RPGRIP1 like; minus strand). Cytogenetic location: 16q12.2.
Variant type: single nucleotide variant.
Coding change: c.3797T>G on transcript NM_015272.5 (MANE Select); coding-DNA position 3797, T replaced by G.
Protein change: p.Phe1266Cys; replaces phenylalanine 1266 with cysteine.
Molecular consequence: missense variant.
Genome position (GRCh38, 1-based): chr16:53,605,519, A>C on the plus strand (T>G on the coding strand, the complement: RPGRIP1L is on the minus strand). VCF-style: chr16-53605519-A-C. GRCh37 (hg19) VCF-style: chr16-53639431-A-C.
Other names: c.3557T>G, p.Phe1186Cys (NM_001127897.4); c.3659T>G, p.Phe1220Cys (NM_001308334.3); c.3695T>G, p.Phe1232Cys (NM_001330538.2); short protein forms F1220C, F1232C, F1266C, F1186C.
Identifiers: ClinVar variation 4992408 (VCV004992408.1).

ClinVar aggregate classification (germline): Uncertain significance (1 of 4 stars; one submission).

Conditions:
RPGRIP1L-related disorder. Also called: RPGRIP1L-related disorders; RPGRIP1L-related condition. Identifiers: MedGen CN239416.

Submission:

PreventionGenetics, part of Exact Sciences
Classification: Uncertain significance for RPGRIP1L-related condition. Last evaluated: 2025-08-18. Review status: criteria provided, single submitter. Criteria: ACMG Guidelines, 2015. Collection method: clinical testing. Allele origin: germline.
Comment: The RPGRIP1L c.3797T>G variant is predicted to result in the amino acid substitution p.Phe1266Cys. To our knowledge, this variant has not been reported in the literature or in a large population database (gnomAD), indicating this variant is rare. At this time, the clinical significance of this variant is uncertain due to the absence of conclusive functional and genetic evidence.